The following is an entry in ClinVar:

ClinVar aggregate classification (germline): Uncertain significance (1 of 4 stars; one submission).

Submission:

GeneDx
Classification: Uncertain significance. Last evaluated: 2025-05-04. Review status: criteria provided, single submitter. Criteria: GeneDx Variant Classification Process June 2021. Collection method: clinical testing. Allele origin: germline. Affected: yes.
Comment: Not observed at significant frequency in large population cohorts (gnomAD); In silico analysis suggests that this missense variant does not alter protein structure/function; Has not been previously published as pathogenic or benign to our knowledge

NM_014159.7(SETD2):c.7193C>T (p.Ala2398Val)

Gene: SETD2 (SET domain containing 2, histone lysine methyltransferase; minus strand). Cytogenetic location: 3p21.31.
Variant type: single nucleotide variant.
Coding change: c.7193C>T on transcript NM_014159.7 (MANE Select); coding-DNA position 7193, C replaced by T.
Protein change: p.Ala2398Val; replaces alanine 2398 with valine.
Molecular consequence: missense variant. On other transcripts: non-coding transcript variant (1).
Genome position (GRCh38, 1-based): chr3:47,042,606, G>A on the plus strand (C>T on the coding strand, the complement: SETD2 is on the minus strand). VCF-style: chr3-47042606-G-A. GRCh37 (hg19) VCF-style: chr3-47084096-G-A.
Other names: c.7061C>T, p.Ala2354Val (NM_001349370.3); short protein forms A2354V, A2398V.
Identifiers: ClinVar variation 4527944 (VCV004527944.1).